The following is an entry in ClinVar:

NM_004360.5(CDH1):c.688-19C>T

Gene: CDH1 (cadherin 1; plus strand). Cytogenetic location: 16q22.1.
Variant type: single nucleotide variant.
Coding change: c.688-19C>T on transcript NM_004360.5 (MANE Select); 19 bases into the intron before coding-DNA position 688, C replaced by T.
Molecular consequence: intron variant.
Genome position (GRCh38, 1-based): chr16:68,810,178, C>T. VCF-style: chr16-68810178-C-T. GRCh37 (hg19) VCF-style: chr16-68844081-C-T.
Other names: c.-928-19C>T (NM_001317185.2); c.-1132-19C>T (NM_001317186.2); c.688-19C>T (NM_001317184.2).
Identifiers: ClinVar variation 3378811 (VCV003378811.1).

ClinVar aggregate classification (germline): Likely benign (1 of 4 stars; one submission).

Conditions:
Hereditary diffuse gastric adenocarcinoma (HDGC). Also called: DIFFUSE GASTRIC AND LOBULAR BREAST CANCER SYNDROME. Identifiers: Orphanet 26106, MedGen C1708349, MONDO:0007648, OMIM 137215.

Submission:

Myriad Genetics, Inc.
Classification: Likely benign for Hereditary diffuse gastric adenocarcinoma. Last evaluated: 2024-09-13. Review status: criteria provided, single submitter. Criteria: Myriad Autosomal Dominant, Autosomal Recessive and X-Linked Classification Criteria (2023). Collection method: clinical testing. Allele origin: unknown.
Comment: This variant is considered likely benign. This variant is intronic and is not expected to impact mRNA splicing.